The following is an entry in ClinVar:

ClinVar aggregate classification (germline): Likely pathogenic. Review status: criteria provided, multiple submitters, no conflicts (2 of 4 stars). 3 submissions from 3 submitters: Likely pathogenic (2). 1 of the submissions does not count toward it. Last evaluated 2025-04-23.

Conditions:
OSMR-related disorder. Also called: OSMR-related condition.
Amyloidosis, primary localized cutaneous, 1. Also called: AMYLOIDOSIS IX; Lichen amyloidosis familial; Amyloidosis 9; AMYLOIDOSIS, PRIMARY CUTANEOUS, 1. Identifiers: Orphanet 353220, MedGen C4551501, MONDO:0024522, OMIM 105250.

Allele frequency attached by ClinVar (database versions not stated): gnomAD exomes below 0.00001.
gnomAD v4.1: 3 of 1,613,880 alleles (0.00019%); highest among the groups gnomAD compares: East Asian, 0.0022%; no homozygotes.

Submissions (3):

GeneDx
Classification: Likely pathogenic. Last evaluated: 2025-04-23. Review status: criteria provided, single submitter. Criteria: GeneDx Variant Classification Process June 2021. Collection method: clinical testing. Allele origin: germline. Affected: yes.
Comment: Not observed at significant frequency in large population cohorts (gnomAD); In silico analysis supports that this missense variant has a deleterious effect on protein structure/function; This variant is associated with the following publications: (PMID: 25054142, 19690585, 19663869, Chang2008[abstract], Fangfang2018[abstract], 30995501, 30734345, 18179886, 30740762, 19528426, 22232715)

Blueprint Genetics
Classification: Likely pathogenic for OSMR-related disorders. Last evaluated: 2020-04-04. Review status: criteria provided, single submitter. Criteria: ACMG Guidelines, 2015. Collection method: clinical testing. Allele origin: germline. Affected: yes. Observed: 1 variant allele.

OMIM
Classification: Pathogenic for AMYLOIDOSIS, PRIMARY LOCALIZED CUTANEOUS, 1. Last evaluated: 2008-01-01. Review status: no assertion criteria provided. Collection method: literature only. Allele origin: germline. Not counted in ClinVar's aggregate classification.

Literature cited by the submitters: PubMed 18179886 (cited by OMIM).

NM_003999.3(OSMR):c.2072T>C (p.Ile691Thr)

Gene: OSMR (oncostatin M receptor; plus strand). Cytogenetic location: 5p13.1.
Variant type: single nucleotide variant.
Coding change: c.2072T>C on transcript NM_003999.3 (MANE Select); coding-DNA position 2072, T replaced by C.
Protein change: p.Ile691Thr; replaces isoleucine 691 with threonine.
Molecular consequence: missense variant.
Genome position (GRCh38, 1-based): chr5:38,925,231, T>C. VCF-style: chr5-38925231-T-C. GRCh37 (hg19) VCF-style: chr5-38925333-T-C.
Other names: c.2072T>C (NM_003999.2); c.2072T>C, p.Ile691Thr (NM_001323505.2); c.2075T>C, p.Ile692Thr (NM_001323506.2); short protein forms I691T, I692T.
Identifiers: ClinVar variation 7808 (VCV000007808.5), dbSNP rs63750567, ClinGen allele CA119093.